The following is an entry in ClinVar:

NM_001142800.2(EYS):c.1641_1644del (p.Ser547fs)

Gene: EYS (EGF-like photoreceptor maintenance factor; minus strand). Cytogenetic location: 6q12.
Variant type: Deletion.
Coding change: c.1641_1644del on transcript NM_001142800.2 (MANE Select); coding-DNA positions 1641 to 1644, 4 bases deleted (TCAG; older notation c.1641_1644delTCAG).
Protein change: p.Ser547fs; shifts the reading frame from serine 547.
Molecular consequence: frameshift variant.
Genome position (GRCh38, 1-based): chr6:65,335,102-65,335,105, CTGA deleted on the plus strand (TCAG on the coding strand, the reverse complement: EYS is on the minus strand); deleting any 4 consecutive bases within chr6:65,335,102-65,335,108 gives the same sequence; the c. name uses the placement nearest the transcript's 3' end. VCF-style (leftmost placement, unchanged base first): chr6-65335101-CCTGA-C. GRCh37 (hg19) VCF-style: chr6-66044994-CCTGA-C.
Other names: c.1641_1644del, p.Ser547fs (NM_001142801.2, NM_001292009.2, NM_198283.2); c.1641_1644delTCAG (NM_001142800.1); short protein forms S547fs.
Identifiers: ClinVar variation 1070910 (VCV001070910.17), dbSNP rs752504462, ClinGen allele CA3877660.

ClinVar aggregate classification (germline): Pathogenic. Review status: criteria provided, multiple submitters, no conflicts (2 of 4 stars). 6 submissions from 6 submitters: Pathogenic (6). Last evaluated 2025-09-09.

Conditions:
EYS-related disorder. Also called: EYS-related condition.
Retinitis pigmentosa 25 (RP25). Identifiers: Orphanet 791, MedGen C1864446, MONDO:0011272, OMIM 602772.

Submissions (6):

Myriad Genetics, Inc.
Classification: Pathogenic for Retinitis pigmentosa 25. Last evaluated: 2025-09-09. Review status: criteria provided, single submitter. Criteria: Myriad Autosomal Dominant, Autosomal Recessive and X-Linked Classification Criteria (2023). Collection method: clinical testing. Allele origin: unknown.
Comment: NM_001142800.1(EYS):c.1641_1644delTCAG(S547Rfs*62) is a frameshift variant classified as pathogenic in the context of retinitis pigmentosa, EYS-related. S547Rfs*62 has been observed in cases with relevant disease (PMID: 33090715, 29550188). Relevant functional assessments of this variant are not available in the literature. S547Rfs*62 has been observed in referenced population frequency databases. In summary, NM_001142800.1(EYS):c.1641_1644delTCAG(S547Rfs*62) is a frameshift variant in a gene where loss of function is a known mechanism of disease, is predicted to disrupt protein function, and has been observed more frequently in cases with the relevant disease than in healthy populations. Please note: this variant was assessed in the context of healthy population screening.

Revvity Omics, Revvity
Classification: Pathogenic for Retinitis pigmentosa 25. Last evaluated: 2025-04-15. Review status: criteria provided, single submitter. Criteria: ACMG Guidelines, 2015. Collection method: clinical testing. Allele origin: germline.

Natera, Inc.
Classification: Pathogenic for Retinitis pigmentosa type 25. Last evaluated: 2024-12-16. Review status: criteria provided, single submitter. Criteria: Natera Variant Classification Schema (03/2026). Collection method: clinical testing. Allele origin: germline.
Comment: The c.1641_1644delTCAG variant in EYS is a frameshift variant predicted to shift the reading frame beginning at codon 547 and leads to a stop codon 62 codons downstream. This variant is expected to result in nonsense mediated decay, truncation, or a dysfunctional protein product. This variant is rare in the general population with a frequency below the threshold expected for the associated phenotype(s). This variant has been observed in one or more individuals affected with the associated recessive disease, as either homozygous or compound heterozygous with a second variant (PMID: 29550188). Given the available evidence, this variant is classified as Pathogenic.

Fulgent Genetics
Classification: Pathogenic for Retinitis pigmentosa 25. Last evaluated: 2024-03-31. Review status: criteria provided, single submitter. Criteria: ACMG Guidelines, 2015. Collection method: clinical testing. Allele origin: germline.

Labcorp Genetics (formerly Invitae), Labcorp
Classification: Pathogenic. Last evaluated: 2023-09-10. Review status: criteria provided, single submitter. Criteria: Invitae Variant Classification Sherloc (09022015). Collection method: clinical testing. Allele origin: germline.
Comment: This variant is present in population databases (rs752504462, gnomAD 0.0009%). This sequence change creates a premature translational stop signal (p.Ser547Argfs*62) in the EYS gene. It is expected to result in an absent or disrupted protein product. Loss-of-function variants in EYS are known to be pathogenic (PMID: 18836446, 20333770). This premature translational stop signal has been observed in individual(s) with retinitis pigmentosa (PMID: 29550188). For these reasons, this variant has been classified as Pathogenic. ClinVar contains an entry for this variant (Variation ID: 1070910).

Blueprint Genetics
Classification: Pathogenic for EYS-related disorders. Last evaluated: 2020-12-29. Review status: criteria provided, single submitter. Criteria: ACMG Guidelines, 2015. Collection method: clinical testing. Allele origin: germline. Affected: yes. Observed: 2 variant alleles.

Literature cited by the submitters: PubMed 29550188 (cited by 3 submitters); PubMed 33090715 (cited by Myriad Genetics, Inc.); PubMed 18836446 (cited by Labcorp Genetics (formerly Invitae), Labcorp); PubMed 20333770 (cited by Labcorp Genetics (formerly Invitae), Labcorp).